The following is an entry in ClinVar:

NC_000014.8:g.(88407903_88411896)_(88416276_88417002)del

Gene: GALC (galactosylceramidase; minus strand). Cytogenetic location: 14q31.3.
Variant type: Deletion.
Identifiers: ClinVar variation 3769093 (VCV003769093.2).

ClinVar aggregate classification (germline): Pathogenic (1 of 4 stars; one submission).

Conditions:
Galactosylceramide beta-galactosidase deficiency. Also called: GALACTOCEREBROSIDASE DEFICIENCY; GALC DEFICIENCY; GLOBOID CELL LEUKOENCEPHALOPATHY; Leukodystrophy, Globoid Cell; Krabbe Disease. Identifiers: Orphanet 487, MedGen C0023521, MONDO:0009499, OMIM 245200.

Submission:

Women's Health and Genetics/Laboratory Corporation of America, LabCorp
Classification: Pathogenic for Galactosylceramide beta-galactosidase deficiency. Last evaluated: 2025-01-30. Review status: criteria provided, single submitter. Criteria: LabCorp Variant Classification Summary - May 2015. Collection method: clinical testing. Allele origin: germline.
Comment: Variant summary: The variant involves the deletion of exons 12-14 in the GALC gene. A presumed nomenclature of c.(1251+1_1252-1)_(1670+1_1671-1)del has been designated for the purposes of this classification. This Copy Number Variant (CNV) is expected to alter the reading frame and predicted to result in a truncation or absence of the encoded protein due to nonsense mediated decay (NMD). The variant was absent in 21694 control chromosomes. To our knowledge, no occurrence of similar deletions in individuals affected with Krabbe Disease and no experimental evidence demonstrating its impact on protein function have been reported. No submitters have cited clinical-significance assessments for this variant to ClinVar. Based on the evidence outlined above, the variant was classified as pathogenic.